The following is an entry in ClinVar:

ClinVar aggregate classification (germline): Uncertain significance (0 of 4 stars; one submission).

Conditions:
Prostate cancer. Also called: Malignant tumor of prostate. Identifiers: Orphanet 1331, MedGen C0376358, MONDO:0008315, HP:0012125.

Submission:

Science for Life laboratory,  Karolinska Institutet
Classification: Uncertain significance for Malignant tumor of prostate. Review status: no assertion criteria provided. Collection method: not provided. Allele origin: somatic.
Comment: TumorID:SWE-3
ClinVar note: Converted during submission from Unknown to Uncertain significance.

NM_020062.4(SLC2A4RG):c.1060C>A (p.Arg354Ser)

Gene: SLC2A4RG (SLC2A4 regulator; plus strand). Cytogenetic location: 20q13.33.
Variant type: single nucleotide variant.
Coding change: c.1060C>A on transcript NM_020062.4 (MANE Select); coding-DNA position 1060, C replaced by A.
Protein change: p.Arg354Ser; replaces arginine 354 with serine.
Molecular consequence: missense variant.
Genome position (GRCh38, 1-based): chr20:63,742,886, C>A. VCF-style: chr20-63742886-C-A. GRCh37 (hg19) VCF-style: chr20-62374239-C-A.
Other names: short protein forms R354S.
Identifiers: ClinVar variation 161728 (VCV000161728.2), dbSNP rs193920971, ClinGen allele CA174677.